The following is an entry in ClinVar:

NM_003392.7(WNT5A):c.206G>T (p.Cys69Phe)

Gene: WNT5A (Wnt family member 5A; minus strand). Cytogenetic location: 3p14.3.
Variant type: single nucleotide variant.
Coding change: c.206G>T on transcript NM_003392.7 (MANE Select); coding-DNA position 206, G replaced by T.
Protein change: p.Cys69Phe; replaces cysteine 69 with phenylalanine.
Molecular consequence: missense variant.
Genome position (GRCh38, 1-based): chr3:55,479,499, C>A on the plus strand (G>T on the coding strand, the complement: WNT5A is on the minus strand). VCF-style: chr3-55479499-C-A. GRCh37 (hg19) VCF-style: chr3-55513527-C-A.
Other names: c.161G>T, p.Cys54Phe (NM_001256105.1, NM_001377271.1, NM_001377272.1); short protein forms C54F, C69F.
Identifiers: ClinVar variation 1065560 (VCV001065560.5), dbSNP rs786204837, ClinGen allele CA353267487.

ClinVar aggregate classification (germline): Pathogenic. Review status: criteria provided, multiple submitters, no conflicts (2 of 4 stars). 2 submissions from 2 submitters: Pathogenic (2). Last evaluated 2024-05-23.

Conditions:
Autosomal dominant Robinow syndrome 1. Also called: WNT5A-Related Robinow Syndrome, Autosomal Dominant; Covesdem syndrome (formerly); Costovertebral segmentation defect with mesomelia (formerly); ACRAL DYSOSTOSIS WITH FACIAL AND GENITAL ABNORMALITIES; FETAL FACE SYNDROME; ROBINOW DWARFISM. Identifiers: Orphanet 3107, Orphanet 97360, MedGen C4551475, MONDO:0024455, OMIM 180700.

Submissions (2):

Labcorp Genetics (formerly Invitae), Labcorp
Classification: Pathogenic. Last evaluated: 2024-05-23. Review status: criteria provided, single submitter. Criteria: Invitae Variant Classification Sherloc (09022015). Collection method: clinical testing. Allele origin: germline.
Comment: This sequence change replaces cysteine, which is neutral and slightly polar, with phenylalanine, which is neutral and non-polar, at codon 69 of the WNT5A protein (p.Cys69Phe). This variant is not present in population databases (gnomAD no frequency). This missense change has been observed in individual(s) with clinical features of Robinow syndrome (PMID: 34750320). In at least one individual the variant was observed to be de novo. ClinVar contains an entry for this variant (Variation ID: 1065560). Advanced modeling of protein sequence and biophysical properties (such as structural, functional, and spatial information, amino acid conservation, physicochemical variation, residue mobility, and thermodynamic stability) performed at Invitae indicates that this missense variant is expected to disrupt WNT5A protein function with a positive predictive value of 80%. For these reasons, this variant has been classified as Pathogenic.

Prenatal Diagnosis Center, The Sixth Medical Center of PLA General Hospital
Classification: Pathogenic for Autosomal dominant Robinow syndrome 1. Last evaluated: 2021-04-30. Review status: criteria provided, single submitter. Criteria: ACMG Guidelines, 2015. Collection method: clinical testing. Allele origin: de novo. Inheritance: Autosomal dominant inheritance. Affected: yes. Observed: 1 variant allele, 1 heterozygote.

Literature cited by the submitters: PubMed 34750320 (cited by Labcorp Genetics (formerly Invitae), Labcorp).